The following is an entry in ClinVar:

ClinVar aggregate classification (germline): Conflicting classifications of pathogenicity. Review status: criteria provided, conflicting classifications (1 of 4 stars). 3 submissions from 3 submitters: Uncertain significance (2); Likely benign (1). Last evaluated 2025-11-22.

Conditions:
Hereditary cancer-predisposing syndrome. Also called: Hereditary neoplastic syndrome; Neoplastic Syndromes, Hereditary; Tumor predisposition; Hereditary Cancer Syndrome. Identifiers: Orphanet 140162, MedGen C0027672, MeSH D009386, MONDO:0015356.
Familial cancer of breast. Also called: BREAST CANCER, FAMILIAL; Hereditary breast cancer; hereditary breast carcinoma. Identifiers: Orphanet 227535, MedGen C0346153, MONDO:0016419, OMIM 114480. Disease mechanism: loss of function.

Allele frequency attached by ClinVar (database versions not stated): ExAC 0.00001; gnomAD exomes 0.00001.

Submissions (3):

Labcorp Genetics (formerly Invitae), Labcorp
Classification: Uncertain significance for Familial cancer of breast. Last evaluated: 2025-11-22. Review status: criteria provided, single submitter. Criteria: Invitae Variant Classification Sherloc (09022015). Collection method: clinical testing. Allele origin: germline.
Comment: This sequence change replaces valine, which is neutral and non-polar, with methionine, which is neutral and non-polar, at codon 928 of the PALB2 protein (p.Val928Met). This variant is present in population databases (rs771288520, gnomAD 0.006%). This variant has not been reported in the literature in individuals affected with PALB2-related conditions. ClinVar contains an entry for this variant (Variation ID: 185678). Invitae Evidence Modeling of protein sequence and biophysical properties (such as structural, functional, and spatial information, amino acid conservation, physicochemical variation, residue mobility, and thermodynamic stability) indicates that this missense variant is expected to disrupt PALB2 protein function with a positive predictive value of 80%. In summary, the available evidence is currently insufficient to determine the role of this variant in disease. Therefore, it has been classified as a Variant of Uncertain Significance.

Color Diagnostics, LLC DBA Color Health
Classification: Uncertain significance for Hereditary cancer-predisposing syndrome. Last evaluated: 2024-03-06. Review status: criteria provided, single submitter. Criteria: ACMG Guidelines, 2015. Collection method: clinical testing. Allele origin: germline.
Comment: This missense variant replaces valine with methionine at codon 928 of the PALB2 protein. Computational prediction suggests that this variant may not impact protein structure and function (internally defined REVEL score threshold <= 0.5, PMID: 27666373). To our knowledge, functional studies have not been reported for this variant. This variant has not been reported in individuals affected with hereditary cancer in the literature. This variant has been identified in 2/250754 chromosomes in the general population by the Genome Aggregation Database (gnomAD). The available evidence is insufficient to determine the role of this variant in disease conclusively. Therefore, this variant is classified as a Variant of Uncertain Significance.

Ambry Genetics
Classification: Likely benign for Hereditary cancer-predisposing syndrome. Last evaluated: 2024-02-20. Review status: criteria provided, single submitter. Criteria: Ambry Variant Classification Scheme 2023. Collection method: clinical testing. Allele origin: germline.

NM_024675.4(PALB2):c.2782G>A (p.Val928Met)

Gene: PALB2 (partner and localizer of BRCA2; minus strand). Cytogenetic location: 16p12.2.
Variant type: single nucleotide variant.
Coding change: c.2782G>A on transcript NM_024675.4 (MANE Select); coding-DNA position 2782, G replaced by A.
Protein change: p.Val928Met; replaces valine 928 with methionine.
Molecular consequence: missense variant.
Genome position (GRCh38, 1-based): chr16:23,624,061, C>T on the plus strand (G>A on the coding strand, the complement: PALB2 is on the minus strand). VCF-style: chr16-23624061-C-T. GRCh37 (hg19) VCF-style: chr16-23635382-C-T.
Other names: short protein forms V928M.
Identifiers: ClinVar variation 185678 (VCV000185678.14), dbSNP rs771288520, ClinGen allele CA192592.